The following is an entry in ClinVar:

NM_007202.4(AKAP10):c.1641+6G>A

Gene: AKAP10 (A-kinase anchoring protein 10; minus strand). Cytogenetic location: 17p11.2.
Variant type: single nucleotide variant.
Coding change: c.1641+6G>A on transcript NM_007202.4 (MANE Select); 6 bases into the intron after coding-DNA position 1641, G replaced by A.
Molecular consequence: intron variant.
Genome position (GRCh38, 1-based): chr17:19,931,799, C>T on the plus strand (G>A on the coding strand, the complement: AKAP10 is on the minus strand). VCF-style: chr17-19931799-C-T. GRCh37 (hg19) VCF-style: chr17-19835112-C-T.
Other names: c.1467+4487G>A (NM_001330152.2).
Identifiers: ClinVar variation 3055540 (VCV003055540.2), dbSNP rs61749865, ClinGen allele CA8445734.

ClinVar aggregate classification (germline): Benign (0 of 4 stars; one submission).

Conditions:
AKAP10-related disorder. Also called: AKAP10-related condition.

Allele frequency attached by ClinVar (database versions not stated): 1000 Genomes Project 30x 0.07854; 1000 Genomes Project 0.08027; TOPMed 0.09011; gnomAD 0.09519; ESP Exome Variant Server 0.09580; ExAC 0.10417; gnomAD exomes 0.12139.
gnomAD v4.1: 190,807 of 1,611,352 alleles (12%); highest among the groups gnomAD compares: Non-Finnish European, 13%; 11,952 homozygotes.

Submission:

PreventionGenetics, part of Exact Sciences
Classification: Benign for AKAP10-related condition. Last evaluated: 2019-10-21. Review status: no assertion criteria provided. Collection method: clinical testing. Allele origin: germline.
Comment: This variant is classified as benign based on ACMG/AMP sequence variant interpretation guidelines (Richards et al. 2015 PMID: 25741868, with internal and published modifications).